The following is an entry in ClinVar:

ClinVar aggregate classification (germline): Uncertain significance (1 of 4 stars; one submission).

Conditions:
Norman-Roberts syndrome (LIS2). Also called: Lissencephaly 2 (Norman-Roberts type). Identifiers: Orphanet 89844, MedGen C0796089, MONDO:0009760, OMIM 257320.
Familial temporal lobe epilepsy 7. Identifiers: Orphanet 101046, MedGen C4225327, MONDO:0014639, OMIM 616436.

Submission:

Labcorp Genetics (formerly Invitae), Labcorp
Classification: Uncertain significance for Familial temporal lobe epilepsy 7; Norman-Roberts syndrome. Last evaluated: 2022-11-15. Review status: criteria provided, single submitter. Criteria: Invitae Variant Classification Sherloc (09022015). Collection method: clinical testing. Allele origin: germline.
Comment: In summary, the available evidence is currently insufficient to determine the role of this variant in disease. Therefore, it has been classified as a Variant of Uncertain Significance. Advanced modeling of protein sequence and biophysical properties (such as structural, functional, and spatial information, amino acid conservation, physicochemical variation, residue mobility, and thermodynamic stability) performed at Invitae indicates that this missense variant is not expected to disrupt RELN protein function. This variant has not been reported in the literature in individuals affected with RELN-related conditions. This variant is not present in population databases (gnomAD no frequency). This sequence change replaces proline, which is neutral and non-polar, with arginine, which is basic and polar, at codon 149 of the RELN protein (p.Pro149Arg).

NM_005045.4(RELN):c.446C>G (p.Pro149Arg)

Gene: RELN (reelin; minus strand). Cytogenetic location: 7q22.1.
Variant type: single nucleotide variant.
Coding change: c.446C>G on transcript NM_005045.4 (MANE Select); coding-DNA position 446, C replaced by G.
Protein change: p.Pro149Arg; replaces proline 149 with arginine.
Molecular consequence: missense variant.
Genome position (GRCh38, 1-based): chr7:103,833,564, G>C on the plus strand (C>G on the coding strand, the complement: RELN is on the minus strand). VCF-style: chr7-103833564-G-C. GRCh37 (hg19) VCF-style: chr7-103474011-G-C.
Other names: c.446C>G, p.Pro149Arg (NM_173054.3); short protein forms P149R.
Identifiers: ClinVar variation 2937418 (VCV002937418.3), dbSNP rs2485206004, ClinGen allele CA368930702.